The following is an entry in ClinVar:

NM_013296.5(GPSM2):c.1486T>A (p.Leu496Ile)

Gene: GPSM2 (G protein signaling modulator 2; plus strand). Cytogenetic location: 1p13.3.
Variant type: single nucleotide variant.
Coding change: c.1486T>A on transcript NM_013296.5 (MANE Select); coding-DNA position 1486, T replaced by A.
Protein change: p.Leu496Ile; replaces leucine 496 with isoleucine.
Molecular consequence: missense variant.
Genome position (GRCh38, 1-based): chr1:108,922,462, T>A. VCF-style: chr1-108922462-T-A. GRCh37 (hg19) VCF-style: chr1-109465084-T-A.
Other names: c.1486T>A, p.Leu496Ile (NM_001321038.2, NM_001321039.3); short protein forms L496I.
Identifiers: ClinVar variation 499162 (VCV000499162.17), dbSNP rs61758992, ClinGen allele CA983071.

ClinVar aggregate classification (germline): Conflicting classifications of pathogenicity. Review status: criteria provided, conflicting classifications (1 of 4 stars). 6 submissions from 6 submitters: Uncertain significance (3); Likely benign (2). 1 of the submissions does not count toward it. Last evaluated 2024-11-05.

Conditions:
GPSM2-related disorder. Also called: GPSM2-related condition; GPSM2-related disorders.

Allele frequency attached by ClinVar (database versions not stated): 1000 Genomes Project 30x 0.00016; 1000 Genomes Project 0.00020; ESP Exome Variant Server 0.00046; gnomAD 0.00071 and 0.00074; TOPMed 0.00086.
gnomAD v4.1: 190 of 1,612,620 alleles (0.012%); highest among the groups gnomAD compares: African/African-American, 0.22%; no homozygotes.

Submissions (6):

Blueprint Genetics
Classification: Uncertain significance. Last evaluated: 2024-11-05. Review status: criteria provided, single submitter. Criteria: ACMG Guidelines, 2015. Collection method: clinical testing. Allele origin: germline.

Labcorp Genetics (formerly Invitae), Labcorp
Classification: Uncertain significance. Last evaluated: 2022-07-19. Review status: criteria provided, single submitter. Criteria: Invitae Variant Classification Sherloc (09022015). Collection method: clinical testing. Allele origin: germline.
Comment: This sequence change replaces leucine, which is neutral and non-polar, with isoleucine, which is neutral and non-polar, at codon 496 of the GPSM2 protein (p.Leu496Ile). This variant is present in population databases (rs61758992, gnomAD 0.2%). This variant has not been reported in the literature in individuals affected with GPSM2-related conditions. ClinVar contains an entry for this variant (Variation ID: 499162). Algorithms developed to predict the effect of missense changes on protein structure and function are either unavailable or do not agree on the potential impact of this missense change (SIFT: "Deleterious"; PolyPhen-2: "Probably Damaging"; Align-GVGD: "Class C0"). In summary, the available evidence is currently insufficient to determine the role of this variant in disease. Therefore, it has been classified as a Variant of Uncertain Significance.

GeneDx
Classification: Likely benign. Last evaluated: 2021-06-15. Review status: criteria provided, single submitter. Criteria: GeneDx Variant Classification Process June 2021. Collection method: clinical testing. Allele origin: germline. Affected: yes.

Laboratory for Molecular Medicine, Mass General Brigham Personalized Medicine
Classification: Likely benign. Last evaluated: 2019-01-04. Review status: criteria provided, single submitter. Criteria: LMM Criteria. Collection method: clinical testing. Allele origin: germline. Observed: 3 variant alleles.
Comment: The p.Leu496Ile variant in GPSM2 is classified as likely benign because it has b een identified in 0.17% (43/24028) of African chromosomes by the Exome Aggregati on Consortium (ExAC; dbSNP rs61758992), and comp utational tools do not suggest an impact to the protien. ACMG/AMP Criteria appli ed: BS1_Supporting, BP4.

Eurofins Ntd Llc (ga)
Classification: Uncertain significance. Last evaluated: 2017-01-03. Review status: criteria provided, single submitter. Criteria: EGL Classification Definitions 2015. Collection method: clinical testing. Allele origin: germline. Observed: 1 variant allele, 1 heterozygote.

PreventionGenetics, part of Exact Sciences
Classification: Likely benign for GPSM2-related condition. Last evaluated: 2024-04-04. Review status: no assertion criteria provided. Collection method: clinical testing. Allele origin: germline. Not counted in ClinVar's aggregate classification.
Comment: This variant is classified as likely benign based on ACMG/AMP sequence variant interpretation guidelines (Richards et al. 2015 PMID: 25741868, with internal and published modifications).